The following is an entry in ClinVar:

NM_006371.5(CRTAP):c.1153-8T>C

Gene: CRTAP (cartilage associated protein; plus strand). Cytogenetic location: 3p22.3.
Variant type: single nucleotide variant.
Coding change: c.1153-8T>C on transcript NM_006371.5 (MANE Select); 8 bases into the intron before coding-DNA position 1153, T replaced by C.
Molecular consequence: intron variant.
Genome position (GRCh38, 1-based): chr3:33,142,387, T>C. VCF-style: chr3-33142387-T-C. GRCh37 (hg19) VCF-style: chr3-33183879-T-C.
Identifiers: ClinVar variation 706323 (VCV000706323.24), dbSNP rs200397785, ClinGen allele CA2300519.
Genomic context (GRCh38, chr3:33,142,387, plus strand): 5'-TTCTGCTCATCAGTACTTTTAAAAGTCCAATAGCCCATTTAATAAAGTTGTCCTGTTGTC[T>C]CTTACAGGGAGAAGTTGTGGAATATGTGGATGACCTCTTGGAACTGGAGGAGACCAGCTA-3'

ClinVar aggregate classification (germline): Conflicting classifications of pathogenicity. Review status: criteria provided, conflicting classifications (1 of 4 stars). 4 submissions from 4 submitters: Uncertain significance (2); Likely benign (2). Last evaluated 2026-04-23.

Conditions:
Osteogenesis imperfecta type 7 (OI7). Also called: OI type 7; OI type VII; OSTEOGENESIS IMPERFECTA, TYPE IIB; Osteogenesis imperfecta type 2B; OI type 2B; Osteogenesis imperfecta, perinatal lethal autosomal recessive. Identifiers: MedGen C1853162, MONDO:0012536, OMIM 610682.

Allele frequency attached by ClinVar (database versions not stated): ESP Exome Variant Server 0.00015; gnomAD 0.00023 and 0.00026; TOPMed 0.00033; gnomAD exomes 0.00042.
gnomAD v4.1: 641 of 1,613,314 alleles (0.04%); highest among the groups gnomAD compares: Non-Finnish European, 0.05%; no homozygotes.

Submissions (4):

GeneDx
Classification: Uncertain significance. Last evaluated: 2026-04-23. Review status: criteria provided, single submitter. Criteria: GeneDx Variant Classification Process June 2021. Collection method: clinical testing. Allele origin: germline.
Comment: Has not been previously published as pathogenic or benign to our knowledge; In silico analysis is inconclusive as to whether the variant alters gene splicing. In the absence of RNA/functional studies, the actual effect of this sequence change is unknown

Labcorp Genetics (formerly Invitae), Labcorp
Classification: Likely benign for Osteogenesis imperfecta type 7. Last evaluated: 2026-01-21. Review status: criteria provided, single submitter. Criteria: Invitae Variant Classification Sherloc (09022015). Collection method: clinical testing. Allele origin: germline.

CeGaT Center for Human Genetics Tuebingen
Classification: Uncertain significance. Last evaluated: 2024-12-01. Review status: criteria provided, single submitter. Criteria: CeGaT Center For Human Genetics Tuebingen Variant Classification Criteria Version 2. Collection method: clinical testing. Allele origin: germline. Affected: yes. Observed: 1 variant allele.
Comment: CRTAP: PM2:Supporting

Blueprint Genetics
Classification: Likely benign. Last evaluated: 2024-10-11. Review status: criteria provided, single submitter. Criteria: ACMG Guidelines, 2015. Collection method: clinical testing. Allele origin: germline.